The following is an entry in ClinVar:

ClinVar aggregate classification (germline): Uncertain significance. Review status: criteria provided, multiple submitters, no conflicts (2 of 4 stars). 2 submissions from 2 submitters: Uncertain significance (2). Last evaluated 2025-03-21.

Conditions:
Inborn genetic diseases. Identifiers: MedGen C0950123, MeSH D030342.

Allele frequency attached by ClinVar (database versions not stated): gnomAD exomes 0.00001; TOPMed 0.00002; ExAC 0.00003; gnomAD 0.00002.
gnomAD v4.1: 5 of 1,613,914 alleles (0.00031%); highest among the groups gnomAD compares: African/African-American, 0.0053%; no homozygotes.

Submissions (2):

Ambry Genetics
Classification: Uncertain significance for Inborn genetic diseases. Last evaluated: 2025-03-21. Review status: criteria provided, single submitter. Criteria: Ambry Variant Classification Scheme 2023. Collection method: clinical testing. Allele origin: germline.

Labcorp Genetics (formerly Invitae), Labcorp
Classification: Uncertain significance. Last evaluated: 2022-03-10. Review status: criteria provided, single submitter. Criteria: Invitae Variant Classification Sherloc (09022015). Collection method: clinical testing. Allele origin: germline.
Comment: This sequence change replaces proline, which is neutral and non-polar, with alanine, which is neutral and non-polar, at codon 115 of the TYRP1 protein (p.Pro115Ala). This variant is present in population databases (rs756589047, gnomAD 0.02%). This variant has not been reported in the literature in individuals affected with TYRP1-related conditions. Algorithms developed to predict the effect of missense changes on protein structure and function (SIFT, PolyPhen-2, Align-GVGD) all suggest that this variant is likely to be tolerated. In summary, the available evidence is currently insufficient to determine the role of this variant in disease. Therefore, it has been classified as a Variant of Uncertain Significance.

NM_000550.3(TYRP1):c.343C>G (p.Pro115Ala)

Gene: TYRP1 (tyrosinase related protein 1; plus strand). Cytogenetic location: 9p23.
Variant type: single nucleotide variant.
Coding change: c.343C>G on transcript NM_000550.3 (MANE Select); coding-DNA position 343, C replaced by G.
Protein change: p.Pro115Ala; replaces proline 115 with alanine.
Molecular consequence: missense variant.
Genome position (GRCh38, 1-based): chr9:12,694,339, C>G. VCF-style: chr9-12694339-C-G. GRCh37 (hg19) VCF-style: chr9-12694339-C-G.
Other names: c.343C>G (NM_000550.2); short protein forms P115A.
Identifiers: ClinVar variation 1371917 (VCV001371917.4), dbSNP rs756589047, ClinGen allele CA4985174.